The following is an entry in ClinVar:

ClinVar aggregate classification (germline): Likely pathogenic. Review status: criteria provided, single submitter (1 of 4 stars). 2 submissions from 1 submitter: Likely pathogenic (2). Last evaluated 2021-08-27.

Conditions:
Citrullinemia. Identifiers: Orphanet 187, MedGen C0175683, MONDO:0015991.
Citrullinemia type I (CTNL1). Also called: ASS DEFICIENCY; argininosuccinate synthetase deficiency. Identifiers: Orphanet 247525, MedGen C4721769, MONDO:0008988, OMIM 215700.

Submissions (2):

Labcorp Genetics (formerly Invitae), Labcorp
Classification: Likely pathogenic for Citrullinemia. Last evaluated: 2021-08-27. Review status: criteria provided, single submitter. Criteria: Invitae Variant Classification Sherloc (09022015). Collection method: clinical testing. Allele origin: germline.
Comment: This variant is a gross deletion of the genomic region encompassing exon(s) 13 of the ASS1 gene. This variant would be expected to be in-frame, preserving the integrity of the reading frame. This variant has not been reported in the literature in individuals affected with ASS1-related conditions. This variant disrupts the p.Arg304 amino acid residue in ASS1. Other variant(s) that disrupt this residue have been determined to be pathogenic (PMID: 7977368, 8792870, 12815590, 23246278, 28302489). This suggests that this residue is clinically significant, and that variants that disrupt this residue are likely to be disease-causing. In summary, the currently available evidence indicates that the variant is pathogenic, but additional data are needed to prove that conclusively. Therefore, this variant has been classified as Likely Pathogenic.

Labcorp Genetics (formerly Invitae), Labcorp
Classification: Likely pathogenic for Citrullinuria. Last evaluated: 2019-11-25. Review status: criteria provided, single submitter. Criteria: Invitae Variant Classification Sherloc (09022015). Collection method: clinical testing. Allele origin: germline.
Comment: This variant is an in-frame deletion of the genomic region encompassing exon 13 of the ASS1 gene. It preserves the integrity of the reading frame. This variant has not been reported in the literature in individuals with ASS1-related conditions. This variant disrupts the p.Arg304 amino acid residue in ASS1. Other variant(s) that disrupt this residue have been determined to be pathogenic (PMID: 12815590, 7977368, 28302489, 23246278, 8792870). This suggests that this residue is clinically significant, and that variants that disrupt this residue are likely to be disease-causing. In summary, the currently available evidence indicates that the variant is pathogenic, but additional data are needed to prove that conclusively. Therefore, this variant has been classified as Likely Pathogenic.

Literature cited by the submitters: PubMed 7977368; PubMed 8792870; PubMed 12815590; PubMed 23246278; PubMed 28302489.

NC_000009.12:g.(?_130489323)_(130489474_?)del

Gene: ASS1 (argininosuccinate synthase 1; plus strand). Cytogenetic location: 9q34.11.
Variant type: Deletion.
Identifiers: ClinVar variation 832754 (VCV000832754.10).